The following is an entry in ClinVar:

ClinVar aggregate classification (germline): Uncertain significance. Review status: criteria provided, multiple submitters, no conflicts (2 of 4 stars). 3 submissions from 3 submitters: Uncertain significance (2). 1 of the submissions does not count toward it. Last evaluated 2021-08-19.

Conditions:
Hydrolethalus syndrome 1 (HLS1). Identifiers: Orphanet 2189, MedGen C1856016, MONDO:0009365, OMIM 236680.
Hydrolethalus syndrome. Identifiers: Orphanet 2189, MedGen C2931104, MONDO:0006037.

Allele frequency attached by ClinVar (database versions not stated): gnomAD 0.00002 and 0.00003; gnomAD exomes 0.00003 and 0.00006; TOPMed 0.00003; ExAC 0.00005; ESP Exome Variant Server 0.00008.
gnomAD v4.1: 43 of 1,614,064 alleles (0.0027%); highest among the groups gnomAD compares: East Asian, 0.0089%; no homozygotes.

Submissions (3):

Department of Pathology and Laboratory Medicine, Sinai Health System
Classification: Uncertain significance for Hydrolethalus syndrome 1. Last evaluated: 2021-08-19. Review status: criteria provided, single submitter. Criteria: ACMG Guidelines, 2015. Collection method: research. Allele origin: germline.

Juno Genomics, Hangzhou Juno Genomics, Inc
Classification: Uncertain significance for Hydrolethalus syndrome 1. Review status: criteria provided, single submitter. Criteria: ACMG Guidelines, 2015. Collection method: clinical testing. Allele origin: germline.
Comment: Absent from controls (or at extremely low frequency if recessive) in Genome Aggregation Database.

Natera, Inc.
Classification: Uncertain significance for Hydrolethalus syndrome. Last evaluated: 2020-04-13. Review status: no assertion criteria provided. Collection method: clinical testing. Allele origin: germline. Not counted in ClinVar's aggregate classification.

NM_001134793.2(HYLS1):c.725G>A (p.Arg242Gln)

Genes: HYLS1 (HYLS1 centriolar and ciliogenesis associated; plus strand), PUS3 (pseudouridine synthase 3; minus strand). Cytogenetic location: 11q24.2.
Variant type: single nucleotide variant.
Coding change: c.725G>A on transcript NM_001134793.2 (MANE Select); coding-DNA position 725, G replaced by A.
Protein change: p.Arg242Gln; replaces arginine 242 with glutamine.
Molecular consequence: missense variant. On other transcripts: intron variant (2).
Genome position (GRCh38, 1-based): chr11:125,900,093, G>A. VCF-style: chr11-125900093-G-A. GRCh37 (hg19) VCF-style: chr11-125769988-G-A.
Other names: c.725G>A, p.Arg242Gln (NM_001377269.1, NM_001377270.1, NM_001424364.1 and 1 more transcripts); c.-247+3077C>T (NM_001271985.2); c.-47+3077C>T (NM_031307.4); short protein forms R242Q.
Identifiers: ClinVar variation 992019 (VCV000992019.4), dbSNP rs374261603, ClinGen allele CA6350767.